The following is an entry in ClinVar:

ClinVar aggregate classification (germline): Uncertain significance (1 of 4 stars; one submission).

Conditions:
Dyskeratosis congenita. Identifiers: Orphanet 1775, MedGen C0265965, MONDO:0015780.

Submission:

Labcorp Genetics (formerly Invitae), Labcorp
Classification: Uncertain significance for Dyskeratosis congenita. Last evaluated: 2025-05-24. Review status: criteria provided, single submitter. Criteria: Invitae Variant Classification Sherloc (09022015). Collection method: clinical testing. Allele origin: germline.
Comment: This sequence change replaces arginine, which is basic and polar, with threonine, which is neutral and polar, at codon 190 of the TINF2 protein (p.Arg190Thr). This variant is present in population databases (no rsID available, gnomAD 0.0009%). This variant has not been reported in the literature in individuals affected with TINF2-related conditions. An algorithm developed to predict the effect of missense changes on protein structure and function outputs the following: PolyPhen-2: "Benign". The threonine amino acid residue is found in multiple mammalian species, which suggests that this missense change does not adversely affect protein function. In summary, the available evidence is currently insufficient to determine the role of this variant in disease. Therefore, it has been classified as a Variant of Uncertain Significance.

NM_001099274.3(TINF2):c.569G>C (p.Arg190Thr)

Gene: TINF2 (TERF1 interacting nuclear factor 2; minus strand). Cytogenetic location: 14q12.
Variant type: single nucleotide variant.
Coding change: c.569G>C on transcript NM_001099274.3 (MANE Select); coding-DNA position 569, G replaced by C.
Protein change: p.Arg190Thr; replaces arginine 190 with threonine.
Molecular consequence: missense variant.
Genome position (GRCh38, 1-based): chr14:24,241,055, C>G on the plus strand (G>C on the coding strand, the complement: TINF2 is on the minus strand). VCF-style: chr14-24241055-C-G. GRCh37 (hg19) VCF-style: chr14-24710261-C-G.
Other names: c.464G>C, p.Arg155Thr (NM_001363668.2); c.569G>C, p.Arg190Thr (NM_012461.3); short protein forms R155T, R190T.
Identifiers: ClinVar variation 4741786 (VCV004741786.1).